The following is an entry in ClinVar:

ClinVar aggregate classification (germline): Pathogenic. Review status: criteria provided, single submitter (1 of 4 stars). 3 submissions from 3 submitters: Pathogenic (1). 2 of the submissions do not count toward it. Last evaluated 2025-11-24.

Conditions:
Senior-Loken syndrome 8 (SLSN8). Identifiers: Orphanet 3156, MedGen C4225376, MONDO:0014579, OMIM 616307.
Asphyxiating thoracic dystrophy 5 (SRTD5). Also called: SHORT-RIB THORACIC DYSPLASIA 5 WITHOUT POLYDACTYLY; SHORT-RIB THORACIC DYSPLASIA 5 WITH OR WITHOUT POLYDACTYLY. Identifiers: Orphanet 474, MedGen C3280598, MONDO:0013717, OMIM 614376.
Jeune thoracic dystrophy. Also called: Jeune syndrome; Infantile thoracic dystrophy; Thoracic pelvic phalangeal dystrophy; Jeune's syndrome; Chondroectodermal dysplasia-like syndrome; Short-rib thoracic dysplasia. Identifiers: Orphanet 474, MedGen C0265275, MONDO:0018770.

Allele frequency attached by ClinVar (database versions not stated): gnomAD exomes below 0.00001 and 0.00001; ExAC 0.00001; TOPMed 0.00003.
gnomAD v4.1: 2 of 1,613,926 alleles (0.00012%); highest among the groups gnomAD compares: Admixed American, 0.0033%; no homozygotes.

Submissions (3):

Labcorp Genetics (formerly Invitae), Labcorp
Classification: Pathogenic for Senior-Loken syndrome 8; Asphyxiating thoracic dystrophy 5. Last evaluated: 2025-11-24. Review status: criteria provided, single submitter. Criteria: Invitae Variant Classification Sherloc (09022015). Collection method: clinical testing. Allele origin: germline.
Comment: This sequence change creates a premature translational stop signal (p.Gln855*) in the WDR19 gene. It is expected to result in an absent or disrupted protein product. Loss-of-function variants in WDR19 are known to be pathogenic (PMID: 22019273, 23559409, 23683095, 26275793, 27241786, 29068549). This variant is present in population databases (rs772599282, gnomAD 0.006%). This premature translational stop signal has been observed in individual(s) with asphyxiating thoracic dystrophy (PMID: 29068549). ClinVar contains an entry for this variant (Variation ID: 446642). For these reasons, this variant has been classified as Pathogenic.

Dan Cohn Lab, University Of California Los Angeles
Classification: Pathogenic for Asphyxiating thoracic dystrophy. Last evaluated: 2017-06-01. Review status: no assertion criteria provided. Collection method: research. Allele origin: paternal. Affected: yes. Not counted in ClinVar's aggregate classification.

University of Washington Center for Mendelian Genomics, University of Washington
Classification: Likely pathogenic for asphyxiating thoracic dystrophy. Review status: no assertion criteria provided. Collection method: research. Allele origin: inherited. Affected: yes. Not counted in ClinVar's aggregate classification.

Literature cited by the submitters: PubMed 22019273 (cited by Labcorp Genetics (formerly Invitae), Labcorp); PubMed 23559409 (cited by Labcorp Genetics (formerly Invitae), Labcorp); PubMed 23683095 (cited by Labcorp Genetics (formerly Invitae), Labcorp); PubMed 26275793 (cited by Labcorp Genetics (formerly Invitae), Labcorp); PubMed 27241786 (cited by Labcorp Genetics (formerly Invitae), Labcorp); PubMed 29068549 (cited by 3 submitters).

NM_025132.4(WDR19):c.2563C>T (p.Gln855Ter)

Gene: WDR19 (WD repeat domain 19; plus strand). Cytogenetic location: 4p14.
Variant type: single nucleotide variant.
Coding change: c.2563C>T on transcript NM_025132.4 (MANE Select); coding-DNA position 2563, C replaced by T.
Protein change: p.Gln855Ter; replaces glutamine 855 with a stop codon.
Molecular consequence: nonsense.
Genome position (GRCh38, 1-based): chr4:39,244,470, C>T. VCF-style: chr4-39244470-C-T. GRCh37 (hg19) VCF-style: chr4-39246090-C-T.
Other names: c.2083C>T, p.Gln695Ter (NM_001317924.2); short protein forms Q855*, Q695*.
Identifiers: ClinVar variation 446642 (VCV000446642.3), dbSNP rs772599282, ClinGen allele CA2892116.